The following is an entry in ClinVar:

ClinVar aggregate classification (germline): Uncertain significance (1 of 4 stars; one submission).

Conditions:
Cardiovascular phenotype. Identifiers: MedGen CN230736.

Submission:

Ambry Genetics
Classification: Uncertain significance for Cardiovascular phenotype. Last evaluated: 2020-01-17. Review status: criteria provided, single submitter. Criteria: Ambry Variant Classification Scheme 2023. Collection method: clinical testing. Allele origin: germline.
Comment: The p.L2456I variant (also known as c.7366C>A), located in coding exon 30 of the TTN gene, results from a C to A substitution at nucleotide position 7366. The leucine at codon 2456 is replaced by isoleucine, an amino acid with highly similar properties. This amino acid position is highly conserved in available vertebrate species. In addition, this alteration is predicted to be tolerated by in silico analysis. Since supporting evidence is limited at this time, the clinical significance of this alteration remains unclear.

NM_001267550.2(TTN):c.7504C>A (p.Leu2502Ile)

Gene: TTN (titin; minus strand). Cytogenetic location: 2q31.2.
Variant type: single nucleotide variant.
Coding change: c.7504C>A on transcript NM_001267550.2 (MANE Select); coding-DNA position 7504, C replaced by A.
Protein change: p.Leu2502Ile; replaces leucine 2502 with isoleucine.
Molecular consequence: missense variant.
Genome position (GRCh38, 1-based): chr2:178,773,552, G>T on the plus strand (C>A on the coding strand, the complement: TTN is on the minus strand). VCF-style: chr2-178773552-G-T. GRCh37 (hg19) VCF-style: chr2-179638279-G-T.
Other names: c.7504C>A, p.Leu2502Ile (NM_001256850.1, NM_133378.4, NM_133379.5); c.7366C>A, p.Leu2456Ile (NM_003319.4, NM_133432.3, NM_133437.4); short protein forms L2456I, L2502I.
Identifiers: ClinVar variation 1758531 (VCV001758531.2), dbSNP rs2532674578, ClinGen allele CA349680089.